The following is an entry in ClinVar:

NM_001365276.2(TNXB):c.9736G>A (p.Val3246Met)

Gene: TNXB (tenascin XB; minus strand). Cytogenetic location: 6p21.33.
Variant type: single nucleotide variant.
Coding change: c.9736G>A on transcript NM_001365276.2 (MANE Select); coding-DNA position 9736, G replaced by A.
Protein change: p.Val3246Met; replaces valine 3246 with methionine.
Molecular consequence: missense variant.
Genome position (GRCh38, 1-based): chr6:32,049,291, C>T on the plus strand (G>A on the coding strand, the complement: TNXB is on the minus strand). VCF-style: chr6-32049291-C-T. GRCh37 (hg19) VCF-style: chr6-32017068-C-T.
Other names: c.9730G>A, p.Val3244Met (NM_019105.8); short protein forms V3244M, V3246M.
Identifiers: ClinVar variation 1768025 (VCV001768025.2), dbSNP rs550641419, ClinGen allele CA3733428.

ClinVar aggregate classification (germline): Uncertain significance (1 of 4 stars; one submission).

Conditions:
Cardiovascular phenotype. Identifiers: MedGen CN230736.

Allele frequency attached by ClinVar (database versions not stated): TOPMed below 0.00001; gnomAD 0.00001; 1000 Genomes Project 30x 0.00016; 1000 Genomes Project 0.00020.
gnomAD v4.1: 2 of 1,611,842 alleles (0.00012%); highest among the groups gnomAD compares: African/African-American, 0.0027%; no homozygotes.

Submission:

Ambry Genetics
Classification: Uncertain significance for Cardiovascular phenotype. Last evaluated: 2022-09-26. Review status: criteria provided, single submitter. Criteria: Ambry Variant Classification Scheme 2023. Collection method: clinical testing. Allele origin: germline.
Comment: The p.V3244M variant (also known as c.9730G>A), located in coding exon 27 of the TNXB gene, results from a G to A substitution at nucleotide position 9730. The valine at codon 3244 is replaced by methionine, an amino acid with highly similar properties. This amino acid position is conserved. In addition, this alteration is predicted to be tolerated by in silico analysis. Since supporting evidence is limited at this time, the clinical significance of this alteration remains unclear.